The following is an entry in ClinVar:

ClinVar aggregate classification (germline): Uncertain significance. Review status: criteria provided, multiple submitters, no conflicts (2 of 4 stars). 2 submissions from 2 submitters: Uncertain significance (2). Last evaluated 2023-03-07.

Allele frequency attached by ClinVar (database versions not stated): TOPMed below 0.00001; gnomAD 0.00001; ExAC 0.00002; gnomAD exomes 0.00002 and 0.00003.
gnomAD v4.1: 24 of 1,606,006 alleles (0.0015%); highest among the groups gnomAD compares: South Asian, 0.025%; 1 homozygote.

Submissions (2):

Blueprint Genetics
Classification: Uncertain significance. Last evaluated: 2023-03-07. Review status: criteria provided, single submitter. Criteria: ACMG Guidelines, 2015. Collection method: clinical testing. Allele origin: germline.

Labcorp Genetics (formerly Invitae), Labcorp
Classification: Uncertain significance. Last evaluated: 2022-02-02. Review status: criteria provided, single submitter. Criteria: Invitae Variant Classification Sherloc (09022015). Collection method: clinical testing. Allele origin: germline.
Comment: This sequence change replaces isoleucine, which is neutral and non-polar, with methionine, which is neutral and non-polar, at codon 325 of the PEX3 protein (p.Ile325Met). This variant is present in population databases (rs757089364, gnomAD 0.03%). This variant has not been reported in the literature in individuals affected with PEX3-related conditions. Algorithms developed to predict the effect of missense changes on protein structure and function are either unavailable or do not agree on the potential impact of this missense change (SIFT: "Tolerated"; PolyPhen-2: "Probably Damaging"; Align-GVGD: "Class C0"). In summary, the available evidence is currently insufficient to determine the role of this variant in disease. Therefore, it has been classified as a Variant of Uncertain Significance.

NM_003630.3(PEX3):c.975A>G (p.Ile325Met)

Gene: PEX3 (peroxisomal biogenesis factor 3; plus strand). Cytogenetic location: 6q24.2.
Variant type: single nucleotide variant.
Coding change: c.975A>G on transcript NM_003630.3 (MANE Select); coding-DNA position 975, A replaced by G.
Protein change: p.Ile325Met; replaces isoleucine 325 with methionine.
Molecular consequence: missense variant.
Genome position (GRCh38, 1-based): chr6:143,485,185, A>G. VCF-style: chr6-143485185-A-G. GRCh37 (hg19) VCF-style: chr6-143806322-A-G.
Other names: short protein forms I325M.
Identifiers: ClinVar variation 1367617 (VCV001367617.6), dbSNP rs757089364, ClinGen allele CA4029720.